The following is an entry in ClinVar:

NM_005560.6(LAMA5):c.7052G>A (p.Arg2351Gln)

Gene: LAMA5 (laminin subunit alpha 5; minus strand). Cytogenetic location: 20q13.33.
Variant type: single nucleotide variant.
Coding change: c.7052G>A on transcript NM_005560.6 (MANE Select); coding-DNA position 7052, G replaced by A.
Protein change: p.Arg2351Gln; replaces arginine 2351 with glutamine.
Molecular consequence: missense variant.
Genome position (GRCh38, 1-based): chr20:62,318,641, C>T on the plus strand (G>A on the coding strand, the complement: LAMA5 is on the minus strand). VCF-style: chr20-62318641-C-T. GRCh37 (hg19) VCF-style: chr20-60893697-C-T.
Other names: p.Arg2351Gln; short protein forms R2351Q.
Identifiers: ClinVar variation 775441 (VCV000775441.15), dbSNP rs147290767, ClinGen allele CA9941439.
Genomic context (GRCh38, chr20:62,318,641, plus strand): 5'-CGGGTTTGTGTGGCCAGTGCCTGGTTCTCCTCCCAGAGGCTGCTCAGCTGCTCCTGCACC[C>T]GGGCCAGCACTAGCCGAGACCAGGGTGAGGGTGGTCACTCTGGAAGCCAGGCCCCTTCAT-3'
Protein context (NP_005551.3, residues 2341-2361): ELAAAQRLLA[Arg2351Gln]VQEQLSSLWE

ClinVar aggregate classification (germline): Benign/Likely benign. Review status: criteria provided, multiple submitters, no conflicts (2 of 4 stars). 5 submissions from 5 submitters: Benign (3); Likely benign (1). 1 of the submissions does not count toward it. Last evaluated 2026-02-01.

Conditions:
LAMA5-related disorder. Also called: LAMA5-Related Disorders; LAMA5-related condition.

Allele frequency attached by ClinVar (database versions not stated): ESP Exome Variant Server 0.00233; gnomAD 0.00321 and 0.00428; TOPMed 0.00373; gnomAD exomes 0.00785; ExAC 0.00853; 1000 Genomes Project 30x 0.00953; 1000 Genomes Project 0.00958.
gnomAD v4.1: 8,427 of 1,610,000 alleles (0.52%); highest among the groups gnomAD compares: South Asian, 3.1%; 100 homozygotes.

Submissions (9):

Labcorp Genetics (formerly Invitae), Labcorp
Classification: Benign. Last evaluated: 2026-02-01. Review status: criteria provided, single submitter. Criteria: Invitae Variant Classification Sherloc (09022015). Collection method: clinical testing. Allele origin: germline.

Genomic Medicine Center of Excellence, King Faisal Specialist Hospital and Research Centre
Classification: Likely benign. Last evaluated: 2025-08-18. Review status: criteria provided, single submitter. Criteria: ACMG Guidelines, 2015. Collection method: clinical testing. Allele origin: germline.

Mayo Clinic Laboratories, Mayo Clinic
Classification: Benign. Last evaluated: 2023-06-13. Review status: criteria provided, single submitter. Criteria: ACMG Guidelines, 2015. Collection method: clinical testing. Allele origin: germline. Observed: 2 variant alleles.
Comment: BS1, BS2, BP4

Breakthrough Genomics
Classification: Benign. Review status: criteria provided, single submitter. Criteria: ACMG Guidelines, 2015. Collection method: not provided. Allele origin: germline. Inheritance: Autosomal recessive inheritance. Affected: yes.

PreventionGenetics, part of Exact Sciences
Classification: Benign for LAMA5-related condition. Last evaluated: 2019-05-30. Review status: no assertion criteria provided. Collection method: clinical testing. Allele origin: germline. Not counted in ClinVar's aggregate classification.
Comment: This variant is classified as benign based on ACMG/AMP sequence variant interpretation guidelines (Richards et al. 2015 PMID: 25741868, with internal and published modifications).

Dr. Peter K. Rogan Lab, Western University
No classification provided (evidence only). Condition: Lung cancer. Review status: no classification provided. Collection method: in vitro. Allele origin: not applicable. Functional consequence: retained intron. Not counted in ClinVar's aggregate classification.

Dr. Peter K. Rogan Lab, Western University
No classification provided (evidence only). Condition: Thyroid cancer, nonmedullary, 1. Review status: no classification provided. Collection method: in vitro. Allele origin: not applicable. Functional consequence: retained intron. Not counted in ClinVar's aggregate classification.

Dr. Peter K. Rogan Lab, Western University
No classification provided (evidence only). Condition: Thyroid cancer, nonmedullary, 1. Review status: no classification provided. Collection method: in vitro. Allele origin: not applicable. Functional consequence: retained intron. Not counted in ClinVar's aggregate classification.

Dr. Peter K. Rogan Lab, Western University
No classification provided (evidence only). Condition: Cervical cancer. Review status: no classification provided. Collection method: in vitro. Allele origin: not applicable. Functional consequence: retained intron. Not counted in ClinVar's aggregate classification.

Literature cited by the submitters: PubMed 18594871 (cited by Mayo Clinic Laboratories, Mayo Clinic).